The following is an entry in ClinVar:

NM_006231.4(POLE):c.1794+4A>G

Gene: POLE (DNA polymerase epsilon, catalytic subunit; minus strand). Cytogenetic location: 12q24.33.
Variant type: single nucleotide variant.
Coding change: c.1794+4A>G on transcript NM_006231.4 (MANE Select); 4 bases into the intron after coding-DNA position 1794, A replaced by G.
Molecular consequence: intron variant.
Genome position (GRCh38, 1-based): chr12:132,672,211, T>C on the plus strand (A>G on the coding strand, the complement: POLE is on the minus strand). VCF-style: chr12-132672211-T-C. GRCh37 (hg19) VCF-style: chr12-133248797-T-C.
Identifiers: ClinVar variation 473485 (VCV000473485.6), dbSNP rs1555228110, ClinGen allele CA658658217.

ClinVar aggregate classification (germline): Uncertain significance (1 of 4 stars; one submission).

gnomAD v4.1: 1 of 1,606,536 alleles (0.000062%); highest among the groups gnomAD compares: South Asian, 0.0011%; no homozygotes.

Submission:

Labcorp Genetics (formerly Invitae), Labcorp
Classification: Uncertain significance. Last evaluated: 2017-07-16. Review status: criteria provided, single submitter. Criteria: Invitae Variant Classification Sherloc (09022015). Collection method: clinical testing. Allele origin: germline.
Comment: In summary, the available evidence is currently insufficient to determine the role of this variant in disease. Therefore, it has been classified as a Variant of Uncertain Significance. Nucleotide substitutions within the consensus splice site are relatively common causes of aberrant splicing (PMID: 17576681, 9536098). Algorithms developed to predict the effect of sequence changes on RNA splicing suggest that this variant may disrupt the consensus splice site, but this prediction has not been confirmed by published transcriptional studies. This variant has not been reported in the literature in individuals with POLE-related disease. This variant is not present in population databases (ExAC no frequency). This sequence change falls in intron 16 of the POLE gene. It does not directly change the encoded amino acid sequence of the POLE protein, but it affects a nucleotide within the consensus splice site of the intron.

Literature cited by the submitters: PubMed 17576681; PubMed 9536098.